The following is an entry in ClinVar:

ClinVar aggregate classification (germline): Uncertain significance (1 of 4 stars; one submission).

Allele frequency attached by ClinVar (database versions not stated): gnomAD 0.00001; gnomAD exomes 0.00001; ExAC 0.00002.
gnomAD v4.1: 11 of 1,612,920 alleles (0.00068%); highest among the groups gnomAD compares: Admixed American, 0.015%; no homozygotes.

Submission:

Women's Health and Genetics/Laboratory Corporation of America, LabCorp
Classification: Uncertain significance. Last evaluated: 2024-01-03. Review status: criteria provided, single submitter. Criteria: LabCorp Variant Classification Summary - May 2015. Collection method: clinical testing. Allele origin: germline.
Comment: Variant summary: OTOF c.5813A>G (p.Asn1938Ser) results in a conservative amino acid change located in the Ferlin, C-terminal domain (IPR032362) of the encoded protein sequence. Three of five in-silico tools predict a benign effect of the variant on protein function. The variant allele was found at a frequency of 3.6e-05 in 250812 control chromosomes. The available data on variant occurrences in the general population are insufficient to allow any conclusion about variant significance. To our knowledge, no occurrence of c.5813A>G in individuals affected with Nonsyndromic Hearing Loss And Deafness, Type 9 and no experimental evidence demonstrating its impact on protein function have been reported. No submitters have cited clinical-significance assessments for this variant to ClinVar after 2014. Based on the evidence outlined above, the variant was classified as uncertain significance.

NM_194248.3(OTOF):c.5813A>G (p.Asn1938Ser)

Gene: OTOF (otoferlin; minus strand). Cytogenetic location: 2p23.3.
Variant type: single nucleotide variant.
Coding change: c.5813A>G on transcript NM_194248.3 (MANE Select); coding-DNA position 5813, A replaced by G.
Protein change: p.Asn1938Ser; replaces asparagine 1938 with serine.
Molecular consequence: missense variant.
Genome position (GRCh38, 1-based): chr2:26,460,647, T>C on the plus strand (A>G on the coding strand, the complement: OTOF is on the minus strand). VCF-style: chr2-26460647-T-C. GRCh37 (hg19) VCF-style: chr2-26683515-T-C.
Other names: c.5813A>G, p.Asn1938Ser (NM_001287489.2); c.3512A>G, p.Asn1171Ser (NM_004802.4, NM_194323.3); c.3743A>G, p.Asn1248Ser (NM_194322.3); short protein forms N1171S, N1248S, N1938S.
Identifiers: ClinVar variation 3063755 (VCV003063755.1), dbSNP rs757147016, ClinGen allele CA1562705.